The following is an entry in ClinVar:

NM_005476.7(GNE):c.943G>A (p.Val315Met)

Gene: GNE (glucosamine (UDP-N-acetyl)-2-epimerase/N-acetylmannosamine kinase; minus strand). Cytogenetic location: 9p13.3.
Variant type: single nucleotide variant.
Coding change: c.943G>A on transcript NM_005476.7 (MANE Select); coding-DNA position 943, G replaced by A.
Protein change: p.Val315Met; replaces valine 315 with methionine.
Molecular consequence: missense variant.
Genome position (GRCh38, 1-based): chr9:36,233,959, C>T on the plus strand (G>A on the coding strand, the complement: GNE is on the minus strand). VCF-style: chr9-36233959-C-T. GRCh37 (hg19) VCF-style: chr9-36233956-C-T.
Other names: c.1036G>A, p.Val346Met (NM_001128227.3); c.943G>A, p.Val315Met (NM_001190383.3); c.613G>A, p.Val205Met (NM_001190384.3); c.766G>A, p.Val256Met (NM_001190388.2, NM_001374798.1); c.790G>A, p.Val264Met (NM_001374797.1); short protein forms V205M, V264M, V315M, V346M, V256M.
Identifiers: ClinVar variation 5004944 (VCV005004944.1).

ClinVar aggregate classification (germline): Uncertain significance (1 of 4 stars; one submission).

Conditions:
GNE myopathy (NM). Also called: NONAKA DISTAL MYOPATHY; INCLUSION BODY MYOPATHY, HEREDITARY, AUTOSOMAL RECESSIVE; INCLUSION BODY MYOPATHY 2, AUTOSOMAL RECESSIVE; IBM 2; Inclusion body myopathy autosomal recessive; Inclusion body myopathy quadriceps sparing. Identifiers: Orphanet 602, MedGen C1853926, MONDO:0011603, OMIM 605820.

Submission:

Myriad Genetics, Inc.
Classification: Uncertain significance for GNE myopathy. Last evaluated: 2026-05-21. Review status: criteria provided, single submitter. Criteria: Myriad Autosomal Dominant, Autosomal Recessive and X-Linked Classification Criteria (2023). Collection method: clinical testing. Allele origin: unknown.
Comment: NM_001128227.2(GNE):c.1036G>A(V346M) is a missense variant classified as a variant of uncertain significance in the context of GNE myopathy. V346M has been observed in a case with relevant disease (PMID: 23437777). Relevant functional assessments of this variant are not available in the literature. V346M has not been observed in referenced population frequency databases. In summary, there is insufficient evidence to classify NM_001128227.2(GNE):c.1036G>A(V346M) as pathogenic or benign. Please note: this variant was assessed in the context of healthy population screening.

Literature cited by the submitters: PubMed 23437777.